The following is an entry in ClinVar:

ClinVar aggregate classification (germline): Likely benign. Review status: criteria provided, multiple submitters, no conflicts (2 of 4 stars). 2 submissions from 2 submitters: Likely benign (2). Last evaluated 2024-12-30.

Conditions:
CDH23-related disorder. Also called: CDH23-related disorders; CDH23-related condition.

Allele frequency attached by ClinVar (database versions not stated): gnomAD 0.00001; gnomAD exomes 0.00001 and 0.00003; TOPMed 0.00001; ExAC 0.00002.
gnomAD v4.1: 8 of 1,605,842 alleles (0.0005%); highest among the groups gnomAD compares: Admixed American, 0.01%; no homozygotes.

Submissions (2):

Labcorp Genetics (formerly Invitae), Labcorp
Classification: Likely benign. Last evaluated: 2024-12-30. Review status: criteria provided, single submitter. Criteria: Invitae Variant Classification Sherloc (09022015). Collection method: clinical testing. Allele origin: germline.

PreventionGenetics, part of Exact Sciences
Classification: Likely benign for CDH23-related condition. Last evaluated: 2024-10-18. Review status: criteria provided, single submitter. Criteria: ACMG Guidelines, 2015. Collection method: clinical testing. Allele origin: germline.
Comment: This variant is classified as likely benign based on ACMG/AMP sequence variant interpretation guidelines (Richards et al. 2015 PMID: 25741868, with internal and published modifications).

NM_022124.6(CDH23):c.625-7C>G

Gene: CDH23 (cadherin related 23; plus strand). Cytogenetic location: 10q22.1.
Variant type: single nucleotide variant.
Coding change: c.625-7C>G on transcript NM_022124.6 (MANE Select); 7 bases into the intron before coding-DNA position 625, C replaced by G.
Molecular consequence: intron variant.
Genome position (GRCh38, 1-based): chr10:71,570,783, C>G. VCF-style: chr10-71570783-C-G. GRCh37 (hg19) VCF-style: chr10-73330540-C-G.
Other names: c.625-7C>G (NM_001171930.2, NM_001171931.2, NM_052836.4 and 1 more transcripts).
Identifiers: ClinVar variation 735728 (VCV000735728.9), dbSNP rs761972494, ClinGen allele CA5543512.